The following is an entry in ClinVar:

NM_007294.4(BRCA1):c.2589_2594delinsATTCTTTT (p.Ser864fs)

Gene: BRCA1 (BRCA1 DNA repair associated; minus strand). Cytogenetic location: 17q21.31.
Variant type: Indel.
Coding change: c.2589_2594delinsATTCTTTT on transcript NM_007294.4 (MANE Select); coding-DNA positions 2589 to 2594, TTCAAA replaced by ATTCTTTT.
Protein change: p.Ser864fs; shifts the reading frame from serine 864.
Molecular consequence: frameshift variant. On other transcripts: intron variant (137).
Genome position (GRCh38, 1-based): chr17:43,092,937-43,092,942, TTTGAA replaced by AAAAGAAT on the plus strand (TTCAAA replaced by ATTCTTTT on the coding strand, the reverse complement: BRCA1 is on the minus strand). VCF-style: chr17-43092937-TTTGAA-AAAAGAAT. GRCh37 (hg19) VCF-style: chr17-41244954-TTTGAA-AAAAGAAT.
Other names: c.2466_2471delinsATTCTTTT, p.Ser823fs (NM_001407919.1, NM_001407648.1, NM_001407664.1 and 19 more transcripts); c.2325_2330delinsATTCTTTT, p.Ser776fs (NM_001407920.1, NM_001407921.1, NM_001407922.1 and 9 more transcripts); c.2322_2327delinsATTCTTTT, p.Ser775fs (NM_001407931.1, NM_001407930.1, NM_001407932.1 and 2 more transcripts); c.2586_2591delinsATTCTTTT, p.Ser863fs (NM_001407644.1, NM_001407645.1, NM_001407860.1 and 22 more transcripts); c.2580_2585delinsATTCTTTT, p.Ser861fs (NM_001407646.1, NM_001407647.1); c.2463_2468delinsATTCTTTT, p.Ser822fs (NM_001407649.1, NM_001407670.1, NM_001407671.1 and 11 more transcripts); c.2589_2594delinsATTCTTTT, p.Ser864fs (NM_001407652.1, NM_001407684.1, NM_001407854.1 and 30 more transcripts); c.2511_2516delinsATTCTTTT, p.Ser838fs (NM_001407653.1, NM_001407654.1, NM_001407655.1 and 4 more transcripts); and 41 more; short protein forms S817fs, S864fs, S568fs, S736fs, S753fs, S775fs, S793fs, S823fs.
Identifiers: ClinVar variation 579868 (VCV000579868.7), dbSNP rs1567795017, ClinGen allele CA891843732.

ClinVar aggregate classification (germline): Pathogenic (1 of 4 stars; one submission).

Conditions:
Hereditary breast ovarian cancer syndrome. Also called: Hereditary breast and ovarian cancer syndrome; Hereditary breast and ovarian cancer syndrome (HBOC); BRCA1- and BRCA2-Associated Hereditary Breast and Ovarian Cancer; Hereditary breast and/or ovarian cancer syndrome; Hereditary breast and ovarian cancer; Breast and ovarian cancer. Identifiers: Orphanet 145, MedGen C0677776, MeSH D061325, MONDO:0003582. Disease mechanism: loss of function.

Submission:

Labcorp Genetics (formerly Invitae), Labcorp
Classification: Pathogenic for Hereditary breast ovarian cancer syndrome. Last evaluated: 2018-03-21. Review status: criteria provided, single submitter. Criteria: Invitae Variant Classification Sherloc (09022015). Collection method: clinical testing. Allele origin: germline.
Comment: For these reasons, this variant has been classified as Pathogenic. Loss-of-function variants in BRCA1 are known to be pathogenic (PMID: 20104584). This variant has not been reported in the literature in individuals with BRCA1-related disease. This variant is not present in population databases (ExAC no frequency). This sequence change creates a premature translational stop signal (p.Ser864Phefs*30) in the BRCA1 gene. It is expected to result in an absent or disrupted protein product.

Literature cited by the submitters: PubMed 20104584.